The following is an entry in ClinVar:

GRCh38/hg38 17q21.31(chr17:45578381-46111134)x1

Genes: CRHR1 (corticotropin releasing hormone receptor 1), KANSL1 (KAT8 regulatory NSL complex subunit 1), LINC02210 (long intergenic non-protein coding RNA 2210), LINC02210-CRHR1 (LINC02210-CRHR1 readthrough), MAPT (microtubule associated protein tau) and 6 more. Cytogenetic location: 17q21.31.
Variant type: copy number loss.
Change: copy number 1 (one copy instead of two) of chr17:45,578,381-46,111,134 (532.8 kb, GRCh38 coordinates, 1-based), cytogenetic band 17q21.31.
Identifiers: ClinVar variation 57290 (VCV000057290.1).

ClinVar aggregate classification (germline): Pathogenic (1 of 4 stars; one submission).

Submission:

ISCA site 4
Classification: Pathogenic. Last evaluated: 2011-08-12. Review status: criteria provided, single submitter. Criteria: Kaminsky et al. (Genet Med. 2011). Collection method: clinical testing. Allele origin: de novo. Affected: yes. Observed: 1 variant allele.
Comment: Copy number variation identified through the course of routine clinical cytogenomic testing in postnatal populations. Clinical assertions have been curated as described in Kaminsky et al. 2011.